The following is an entry in ClinVar:

ClinVar aggregate classification (germline): Uncertain significance. Review status: criteria provided, multiple submitters, no conflicts (2 of 4 stars). 2 submissions from 2 submitters: Uncertain significance (2). Last evaluated 2024-03-19.

Conditions:
Hereditary cancer-predisposing syndrome. Also called: Hereditary Cancer Syndrome; Tumor predisposition; Hereditary neoplastic syndrome; Neoplastic Syndromes, Hereditary. Identifiers: Orphanet 140162, MedGen C0027672, MeSH D009386, MONDO:0015356.
Renal cell carcinoma. Identifiers: Orphanet 217071, MedGen C0007134, MeSH D002292, MONDO:0005086, HP:0005584.

Submissions (2):

Ambry Genetics
Classification: Uncertain significance for Hereditary cancer-predisposing syndrome. Last evaluated: 2024-03-19. Review status: criteria provided, single submitter. Criteria: Ambry Variant Classification Scheme 2023. Collection method: clinical testing. Allele origin: germline.
Comment: The p.P1340S variant (also known as c.4018C>T), located in coding exon 20 of the MET gene, results from a C to T substitution at nucleotide position 4018. The proline at codon 1340 is replaced by serine, an amino acid with similar properties. This amino acid position is highly conserved in available vertebrate species. In addition, the in silico prediction for this alteration is inconclusive. Since supporting evidence is limited at this time, the clinical significance of this alteration remains unclear.

Labcorp Genetics (formerly Invitae), Labcorp
Classification: Uncertain significance for Renal cell carcinoma. Last evaluated: 2023-11-17. Review status: criteria provided, single submitter. Criteria: Invitae Variant Classification Sherloc (09022015). Collection method: clinical testing. Allele origin: germline.
Comment: This sequence change replaces proline, which is neutral and non-polar, with serine, which is neutral and polar, at codon 1340 of the MET protein (p.Pro1340Ser). This variant is not present in population databases (gnomAD no frequency). This variant has not been reported in the literature in individuals affected with MET-related conditions. ClinVar contains an entry for this variant (Variation ID: 1055400). Advanced modeling of protein sequence and biophysical properties (such as structural, functional, and spatial information, amino acid conservation, physicochemical variation, residue mobility, and thermodynamic stability) performed at Invitae indicates that this missense variant is expected to disrupt MET protein function with a positive predictive value of 80%. In summary, the available evidence is currently insufficient to determine the role of this variant in disease. Therefore, it has been classified as a Variant of Uncertain Significance.

NM_000245.4(MET):c.3964C>T (p.Pro1322Ser)

Gene: MET (MET proto-oncogene, receptor tyrosine kinase; plus strand). Cytogenetic location: 7q31.2.
Variant type: single nucleotide variant.
Coding change: c.3964C>T on transcript NM_000245.4 (MANE Select); coding-DNA position 3964, C replaced by T.
Protein change: p.Pro1322Ser; replaces proline 1322 with serine.
Molecular consequence: missense variant.
Genome position (GRCh38, 1-based): chr7:116,795,915, C>T. VCF-style: chr7-116795915-C-T. GRCh37 (hg19) VCF-style: chr7-116435969-C-T.
Other names: c.4018C>T, p.Pro1340Ser (NM_001127500.3); c.2674C>T, p.Pro892Ser (NM_001324402.2); short protein forms P1322S, P1340S, P892S.
Identifiers: ClinVar variation 1055400 (VCV001055400.12), dbSNP rs368312290, ClinGen allele CA369118110.